The following is an entry in ClinVar:

NM_052947.4(ALPK2):c.326A>C (p.Glu109Ala)

Gene: ALPK2 (alpha kinase 2; minus strand). Cytogenetic location: 18q21.31.
Variant type: single nucleotide variant.
Coding change: c.326A>C on transcript NM_052947.4 (MANE Select); coding-DNA position 326, A replaced by C.
Protein change: p.Glu109Ala; replaces glutamic acid 109 with alanine.
Molecular consequence: missense variant.
Genome position (GRCh38, 1-based): chr18:58,580,450, T>G on the plus strand (A>C on the coding strand, the complement: ALPK2 is on the minus strand). VCF-style: chr18-58580450-T-G. GRCh37 (hg19) VCF-style: chr18-56247682-T-G.
Other names: short protein forms E109A.
Identifiers: ClinVar variation 3228681 (VCV003228681.1), dbSNP rs2518900388, ClinGen allele CA402568230.

ClinVar aggregate classification (germline): Uncertain significance (1 of 4 stars; one submission).

Allele frequency attached by ClinVar (database versions not stated): gnomAD exomes below 0.00001.
gnomAD v4.1: 1 of 1,614,204 alleles (0.000062%); highest among the groups gnomAD compares: South Asian, 0.0011%; no homozygotes.

Submission:

Ambry Genetics
Classification: Uncertain significance. Last evaluated: 2024-02-02. Review status: criteria provided, single submitter. Criteria: Ambry Variant Classification Scheme 2023. Collection method: clinical testing. Allele origin: germline.
Comment: The p.E109A variant (also known as c.326A>C), located in coding exon 3 of the ALPK2 gene, results from an A to C substitution at nucleotide position 326. The glutamic acid at codon 109 is replaced by alanine, an amino acid with dissimilar properties. This amino acid position is conserved. In addition, this alteration is predicted to be tolerated by in silico analysis. Based on the available evidence, the clinical significance of this alteration remains unclear.